The following is an entry in ClinVar:

ClinVar aggregate classification (germline): Uncertain significance. Review status: criteria provided, multiple submitters, no conflicts (2 of 4 stars). 2 submissions from 2 submitters: Uncertain significance (2). Last evaluated 2026-04-01.

Conditions:
Congenital anomaly of kidney and urinary tract. Also called: Congenital anomalies of kidney and urinary tract; Congenital anomalies of the kidney and urinary tract. Identifiers: Orphanet 93545, MedGen C1968949, MeSH C566906, MONDO:0019719.
Congenital heart disease (CHD). Identifiers: MedGen C0152021, MONDO:0005453. Disease mechanism: unknown.

Submissions (2):

Institute Of Molecular Biology And Genetics, Federal Almazov National Medical Research Centre
Classification: Uncertain significance for Congenital heart disease; Congenital anomaly of kidney and urinary tract. Last evaluated: 2026-04-01. Review status: criteria provided, single submitter. Criteria: ACMG Guidelines, 2015. Collection method: clinical testing. Allele origin: germline. Affected: yes. Observed: 1 variant allele.
Comment: The missense variant NM_013450.4:c.4094T>C replaces leucine with proline at codon 1365 of the BAZ2B protein (p.Leu1365Pro). The variat is absent in population databases (no allele frequency in gnomAD) (PM2), and multiple lines of computational evidence suggest thec.4094T>C variant as a deleterious one (PP3). The available evidence is currently insufficient to determine the role of this variant in disease, therefore, it has been classified as a Variant of Uncertain Significance.

GeneDx
Classification: Uncertain significance. Last evaluated: 2024-05-17. Review status: criteria provided, single submitter. Criteria: GeneDx Variant Classification Process June 2021. Collection method: clinical testing. Allele origin: germline. Affected: yes.
Comment: Not observed at significant frequency in large population cohorts (gnomAD); In silico analysis supports that this missense variant has a deleterious effect on protein structure/function; Has not been previously published as pathogenic or benign to our knowledge

NM_013450.4(BAZ2B):c.4094T>C (p.Leu1365Pro)

Gene: BAZ2B (bromodomain adjacent to zinc finger domain 2B; minus strand). Cytogenetic location: 2q24.2.
Variant type: single nucleotide variant.
Coding change: c.4094T>C on transcript NM_013450.4 (MANE Select); coding-DNA position 4094, T replaced by C.
Protein change: p.Leu1365Pro; replaces leucine 1365 with proline.
Molecular consequence: missense variant.
Genome position (GRCh38, 1-based): chr2:159,373,164, A>G on the plus strand (T>C on the coding strand, the complement: BAZ2B is on the minus strand). VCF-style: chr2-159373164-A-G. GRCh37 (hg19) VCF-style: chr2-160229675-A-G.
Other names: p.Leu1365Pro; c.3986T>C, p.Leu1329Pro (NM_001289975.1); c.3932T>C, p.Leu1311Pro (NM_001329857.2); c.4019T>C, p.Leu1340Pro (NM_001329858.2); short protein forms L1311P, L1329P, L1340P, L1365P.
Identifiers: ClinVar variation 3390660 (VCV003390660.2).